The following is an entry in ClinVar:

ClinVar aggregate classification (germline): Conflicting classifications of pathogenicity. Review status: criteria provided, conflicting classifications (1 of 4 stars). 3 submissions from 3 submitters: Uncertain significance (2); Likely benign (1). Last evaluated 2026-06-22.

Conditions:
EFTUD2-related disorder. Also called: EFTUD2-related condition.
Inborn genetic diseases. Identifiers: MedGen C0950123, MeSH D030342.

Allele frequency attached by ClinVar (database versions not stated): ExAC 0.00006; gnomAD 0.00002.
gnomAD v4.1: 36 of 1,613,906 alleles (0.0022%); highest among the groups gnomAD compares: East Asian, 0.029%; no homozygotes.

Submissions (3):

PreventionGenetics, part of Exact Sciences
Classification: Uncertain significance for EFTUD2-related condition. Last evaluated: 2026-06-22. Review status: criteria provided, single submitter. Criteria: ACMG Guidelines, 2015. Collection method: clinical testing. Allele origin: germline.
Comment: The EFTUD2 c.2299G>A variant is predicted to result in the amino acid substitution p.Val767Ile. To our knowledge, this variant has not been reported in the literature. This variant is reported in 0.016% of alleles in individuals of East Asian descent in gnomAD. Although we suspect that this variant may be benign, at this time, the clinical significance of this variant is uncertain due to the absence of conclusive functional and genetic evidence.

Labcorp Genetics (formerly Invitae), Labcorp
Classification: Uncertain significance. Last evaluated: 2022-09-10. Review status: criteria provided, single submitter. Criteria: Invitae Variant Classification Sherloc (09022015). Collection method: clinical testing. Allele origin: germline.
Comment: In summary, the available evidence is currently insufficient to determine the role of this variant in disease. Therefore, it has been classified as a Variant of Uncertain Significance. Advanced modeling of protein sequence and biophysical properties (such as structural, functional, and spatial information, amino acid conservation, physicochemical variation, residue mobility, and thermodynamic stability) performed at Invitae indicates that this missense variant is not expected to disrupt EFTUD2 protein function. This variant has not been reported in the literature in individuals affected with EFTUD2-related conditions. This variant is present in population databases (rs775893755, gnomAD 0.02%). This sequence change replaces valine, which is neutral and non-polar, with isoleucine, which is neutral and non-polar, at codon 767 of the EFTUD2 protein (p.Val767Ile).

Ambry Genetics
Classification: Likely benign for Inborn genetic diseases. Last evaluated: 2021-07-28. Review status: criteria provided, single submitter. Criteria: Ambry Variant Classification Scheme 2023. Collection method: clinical testing. Allele origin: germline.

NM_004247.4(EFTUD2):c.2299G>A (p.Val767Ile)

Gene: EFTUD2 (elongation factor Tu GTP binding domain containing 2; minus strand). Cytogenetic location: 17q21.31.
Variant type: single nucleotide variant.
Coding change: c.2299G>A on transcript NM_004247.4 (MANE Select); coding-DNA position 2299, G replaced by A.
Protein change: p.Val767Ile; replaces valine 767 with isoleucine.
Molecular consequence: missense variant.
Genome position (GRCh38, 1-based): chr17:44,854,317, C>T on the plus strand (G>A on the coding strand, the complement: EFTUD2 is on the minus strand). VCF-style: chr17-44854317-C-T. GRCh37 (hg19) VCF-style: chr17-42931685-C-T.
Other names: c.2194G>A, p.Val732Ile (NM_001142605.2); c.2299G>A, p.Val767Ile (NM_001258353.2); c.2269G>A, p.Val757Ile (NM_001258354.2); short protein forms V757I, V767I, V732I.
Identifiers: ClinVar variation 1964205 (VCV001964205.5), dbSNP rs775893755, ClinGen allele CA8607519.